The following is an entry in ClinVar:

ClinVar aggregate classification (germline): Pathogenic (1 of 4 stars; one submission).

Conditions:
Arrhythmogenic right ventricular dysplasia 12. Also called: ARRHYTHMOGENIC RIGHT VENTRICULAR DYSPLASIA, FAMILIAL, 12. Identifiers: MedGen C1969081, MONDO:0012684, OMIM 611528.
Naxos disease (NXD). Also called: CARDIOMYOPATHY, ARRHYTHMOGENIC RIGHT VENTRICULAR, WITH SKIN, HAIR, AND NAIL ABNORMALITIES; WOOLLY HAIR, PALMOPLANTAR KERATODERMA, AND CARDIAC ABNORMALITIES; KERATOSIS PALMOPLANTARIS WITH ARRHYTHMOGENIC CARDIOMYOPATHY; MAL DE NAXOS; PALMOPLANTAR KERATODERMA WITH ARRHYTHMOGENIC RIGHT VENTRICULAR CARDIOMYOPATHY AND WOOLLY HAIR. Identifiers: Orphanet 34217, MedGen C1832600, MONDO:0011017, OMIM 601214.

Submission:

Labcorp Genetics (formerly Invitae), Labcorp
Classification: Pathogenic for Arrhythmogenic right ventricular dysplasia 12; Naxos disease. Last evaluated: 2018-12-11. Review status: criteria provided, single submitter. Criteria: Invitae Variant Classification Sherloc (09022015). Collection method: clinical testing. Allele origin: germline.
Comment: For these reasons, this variant has been classified as Pathogenic. This variant disrupts the C-terminus of the JUP protein. Other variant(s) that disrupt this region (p.Trp680Glyfs*11) have been determined to be pathogenic for autosomal recessive Naxos disease (PMID: 18937352, 10902626). This suggests that variants that disrupt this region of the protein are likely to be causative of disease. Experimental studies and prediction algorithms are not available for this variant, and the functional significance of the affected amino acid(s) is currently unknown. This variant has not been reported in the literature in individuals with JUP-related conditions. This variant is not present in population databases (ExAC no frequency). This sequence change results in a premature translational stop signal in the JUP gene (p.Val603Trpfs*84). While this is not anticipated to result in nonsense mediated decay, it is expected to disrupt the last 143 amino acids of the JUP protein.

Literature cited by the submitters: PubMed 18937352; PubMed 10902626.

NM_002230.4(JUP):c.1807del (p.Val603fs)

Gene: JUP (junction plakoglobin; minus strand). Cytogenetic location: 17q21.2.
Variant type: Deletion.
Coding change: c.1807del on transcript NM_002230.4 (MANE Select); coding-DNA position 1807, one base deleted (G; older notation c.1807delG).
Protein change: p.Val603fs; shifts the reading frame from valine 603.
Molecular consequence: frameshift variant.
Genome position (GRCh38, 1-based): chr17:41,757,751, C deleted on the plus strand (G on the coding strand, the reverse complement: JUP is on the minus strand). VCF-style (leftmost placement, unchanged base first): chr17-41757750-AC-A. GRCh37 (hg19) VCF-style: chr17-39914002-AC-A.
Other names: c.1807del, p.Val603fs (NM_001352773.2, NM_001352774.2, NM_001352775.2 and 3 more transcripts); short protein forms V603fs.
Identifiers: ClinVar variation 641938 (VCV000641938.8), dbSNP rs1597782553, ClinGen allele CA915950007.